The following is an entry in ClinVar:

NM_001282112.2(TOP3B):c.1525+1G>A

Gene: TOP3B (DNA topoisomerase III beta; minus strand). Cytogenetic location: 22q11.22.
Variant type: single nucleotide variant.
Coding change: c.1525+1G>A on transcript NM_001282112.2 (MANE Select); the canonical splice donor site of the intron after coding-DNA position 1525, G replaced by A.
Molecular consequence: splice donor variant.
Genome position (GRCh38, 1-based): chr22:21,962,428, C>T on the plus strand (G>A on the coding strand, the complement: TOP3B is on the minus strand). VCF-style: chr22-21962428-C-T. GRCh37 (hg19) VCF-style: chr22-22316800-C-T.
Other names: c.1525+1G>A (NM_001282113.2, NM_001349847.2, NM_001349845.2 and 1 more transcripts); c.1117+1G>A (NM_001349848.2, NM_001349851.2, NM_001349850.2 and 1 more transcripts).
Identifiers: ClinVar variation 4992579 (VCV004992579.1).

ClinVar aggregate classification (germline): Uncertain significance (1 of 4 stars; one submission).

Conditions:
TOP3B-related disorder. Also called: TOP3B-related condition.

Submission:

PreventionGenetics, part of Exact Sciences
Classification: Uncertain significance for TOP3B-related condition. Last evaluated: 2025-12-17. Review status: criteria provided, single submitter. Criteria: ACMG Guidelines, 2015. Collection method: clinical testing. Allele origin: germline.
Comment: The TOP3B c.1525+1G>A variant is predicted to disrupt the GT donor site and interfere with normal splicing. To our knowledge, this variant has not been reported in the literature or in a large population database (gnomAD), indicating this variant is rare. At this time, the clinical significance of this variant is uncertain due to the absence of conclusive functional and genetic evidence.